The following is an entry in ClinVar:

NM_001099274.3(TINF2):c.1073_1081dup (p.Tyr360_Met361insAsnCysTyr)

Gene: TINF2 (TERF1 interacting nuclear factor 2; minus strand). Cytogenetic location: 14q12.
Variant type: Duplication.
Coding change: c.1073_1081dup on transcript NM_001099274.3 (MANE Select); coding-DNA positions 1073 to 1081, 9 bases duplicated (ATTGCTACA; older notation c.1073_1081dupATTGCTACA).
Protein change: p.Tyr360_Met361insAsnCysTyr.
Molecular consequence: inframe insertion. On other transcripts: 3 prime UTR variant (1).
Genome position (GRCh38, 1-based): chr14:24,240,311-24,240,319, TGTAGCAAT duplicated on the plus strand (ATTGCTACA on the coding strand, the reverse complement: TINF2 is on the minus strand). VCF-style (leftmost placement, unchanged base first): chr14-24240310-A-ATGTAGCAAT. GRCh37 (hg19) VCF-style: chr14-24709516-A-ATGTAGCAAT.
Other names: c.1073_1081dup (NM_001099274.1); c.968_976dup, p.Tyr325_Met326insAsnCysTyr (NM_001363668.2); c.*96_*104dup (NM_012461.3).
Identifiers: ClinVar variation 656147 (VCV000656147.14), dbSNP rs776727691, ClinGen allele CA7130500.
Genomic context (GRCh38, chr14:24,240,310, plus strand): 5'-TCAGACTACCTACCTGGCTTCCTGGCCCTAGGAGGTAATAATGATAGTCTCAGGGGGTCC[A>ATGTAGCAAT]TGTAGCAATCCAAGCAATTCCTGAGGTGAGAGCAAGCAAAGAGGATAGGATGAAGGGAAG-3'

ClinVar aggregate classification (germline): Uncertain significance. Review status: criteria provided, multiple submitters, no conflicts (2 of 4 stars). 3 submissions from 3 submitters: Uncertain significance (3). Last evaluated 2026-01-22.

Conditions:
Dyskeratosis congenita. Identifiers: Orphanet 1775, MedGen C0265965, MONDO:0015780.

Allele frequency attached by ClinVar (database versions not stated): gnomAD exomes 0.00002 and 0.00004; ExAC 0.00003; gnomAD 0.00014 and 0.00015.

Submissions (3):

Labcorp Genetics (formerly Invitae), Labcorp
Classification: Uncertain significance for Dyskeratosis congenita. Last evaluated: 2026-01-22. Review status: criteria provided, single submitter. Criteria: Invitae Variant Classification Sherloc (09022015). Collection method: clinical testing. Allele origin: germline.
Comment: This variant, c.1073_1081dup, results in the insertion of 3 amino acid(s) of the TINF2 protein (p.Tyr360_Met361insAsnCysTyr), but otherwise preserves the integrity of the reading frame. This variant is present in population databases (rs776727691, gnomAD 0.05%), and has an allele count higher than expected for a pathogenic variant. This variant has not been reported in the literature in individuals affected with TINF2-related conditions. ClinVar contains an entry for this variant (Variation ID: 656147). Experimental studies and prediction algorithms are not available or were not evaluated, and the functional significance of this variant is currently unknown. In summary, the available evidence is currently insufficient to determine the role of this variant in disease. Therefore, it has been classified as a Variant of Uncertain Significance.

GeneDx
Classification: Uncertain significance. Last evaluated: 2025-03-30. Review status: criteria provided, single submitter. Criteria: GeneDx Variant Classification Process June 2021. Collection method: clinical testing. Allele origin: germline.
Comment: In-frame insertion of 3 amino acids in a non-repeat region; In silico analysis indicates that this variant does not alter protein structure/function; Has not been previously published as pathogenic or benign to our knowledge

Genetic Services Laboratory, University of Chicago
Classification: Uncertain significance. Last evaluated: 2017-08-02. Review status: criteria provided, single submitter. Criteria: ACMG Guidelines, 2015. Collection method: clinical testing. Allele origin: germline. Affected: no.